The following is an entry in ClinVar:

ClinVar aggregate classification (germline): Uncertain significance (1 of 4 stars; one submission).

Conditions:
Hemolytic anemia due to pyrimidine 5' nucleotidase deficiency (CNSHA8). Also called: HEMOLYTIC ANEMIA DUE TO P5N DEFICIENCY; HEMOLYTIC ANEMIA DUE TO UMPH1 DEFICIENCY; P5N DEFICIENCY; PYRIMIDINE 5-PRIME NUCLEOTIDASE DEFICIENCY, HEMOLYTIC ANEMIA DUE TO; UMPH1 DEFICIENCY. Identifiers: Orphanet 35120, MedGen C1849507, MONDO:0009946, OMIM 266120.

gnomAD v4.1: 118 of 1,613,476 alleles (0.0073%); highest among the groups gnomAD compares: Non-Finnish European, 0.0088%; no homozygotes.

Submission:

ARUP Laboratories, Molecular Genetics and Genomics, ARUP Laboratories
Classification: Uncertain significance for Hemolytic anemia due to pyrimidine 5' nucleotidase deficiency. Last evaluated: 2024-12-13. Review status: criteria provided, single submitter. Criteria: ARUP Molecular Germline Variant Investigation Process 2024. Collection method: clinical testing. Allele origin: germline.
Comment: The NT5C3A c.527G>A; p.Arg176His variant (rs138108298), to our knowledge, is not reported in the medical literature or gene specific databases. This variant is found predominantly in the non-Finnish European population with an allele frequency of 0.008% (11/129152 alleles) in the Genome Aggregation Database (v2.1.1). Computational analyses are uncertain whether this variant is neutral or deleterious (REVEL: 0.164). Due to limited information, the clinical significance of this variant is uncertain at this time.

NM_001002010.5(NT5C3A):c.629G>A (p.Arg210His)

Gene: NT5C3A (5'-nucleotidase, cytosolic IIIA; minus strand). Cytogenetic location: 7p14.3.
Variant type: single nucleotide variant.
Coding change: c.629G>A on transcript NM_001002010.5 (MANE Select); coding-DNA position 629, G replaced by A.
Protein change: p.Arg210His; replaces arginine 210 with histidine.
Molecular consequence: missense variant.
Genome position (GRCh38, 1-based): chr7:33,017,503, C>T on the plus strand (G>A on the coding strand, the complement: NT5C3A is on the minus strand). VCF-style: chr7-33017503-C-T. GRCh37 (hg19) VCF-style: chr7-33057115-C-T.
Other names: c.527G>A, p.Arg176His (NM_016489.14, NM_001002009.3); c.491G>A, p.Arg164His (NM_001166118.3, NM_001356996.3, NM_001374336.1 and 1 more transcripts); c.530G>A, p.Arg177His (NM_001374335.1); c.629G>A, p.Arg210His (NM_001374338.1); c.428G>A, p.Arg143His (NM_001374339.1); short protein forms R143H, R164H, R176H, R177H, R210H.
Identifiers: ClinVar variation 4685690 (VCV004685690.1).